The following is an entry in ClinVar:

NM_001289104.2(PRKCSH):c.850-12C>T

Gene: PRKCSH (PRKCSH beta subunit of glucosidase II; plus strand). Cytogenetic location: 19p13.2.
Variant type: single nucleotide variant.
Coding change: c.850-12C>T on transcript NM_001289104.2 (MANE Select); 12 bases into the intron before coding-DNA position 850, C replaced by T.
Molecular consequence: intron variant.
Genome position (GRCh38, 1-based): chr19:11,447,427, C>T. VCF-style: chr19-11447427-C-T. GRCh37 (hg19) VCF-style: chr19-11558242-C-T.
Other names: c.850-12C>T (NM_001289103.2, NM_001379609.1, NM_001379608.1 and 3 more transcripts).
Identifiers: ClinVar variation 328185 (VCV000328185.7), dbSNP rs201874863, ClinGen allele CA9213042.

ClinVar aggregate classification (germline): Benign/Likely benign. Review status: criteria provided, multiple submitters, no conflicts (2 of 4 stars). 2 submissions from 2 submitters: Benign (1); Likely benign (1). Last evaluated 2025-02-11.

Conditions:
Polycystic liver disease 1 (PCLD1). Also called: Polycystic liver disease 1 with or without kidney cysts. Identifiers: Orphanet 2924, MedGen C0887850, MONDO:0008265, OMIM 174050.

Allele frequency attached by ClinVar (database versions not stated): TOPMed 0.00004; gnomAD 0.00007; ExAC 0.00008; gnomAD exomes 0.00012.
gnomAD v4.1: 101 of 1,613,494 alleles (0.0063%); highest among the groups gnomAD compares: Admixed American, 0.022%; no homozygotes.

Submissions (2):

Labcorp Genetics (formerly Invitae), Labcorp
Classification: Benign. Last evaluated: 2025-02-11. Review status: criteria provided, single submitter. Criteria: Invitae Variant Classification Sherloc (09022015). Collection method: clinical testing. Allele origin: germline.

Illumina Laboratory Services, Illumina
Classification: Likely benign for Polycystic liver disease 1. Last evaluated: 2018-01-12. Review status: criteria provided, single submitter. Criteria: ICSL Variant Classification Criteria 13 December 2019. Collection method: clinical testing. Allele origin: germline.
Comment: This variant was observed in the ICSL laboratory as part of a predisposition screen in an ostensibly healthy population. It had not been previously curated by ICSL or reported in the Human Gene Mutation Database (HGMD: prior to June 1st, 2018), and was therefore a candidate for classification through an automated scoring system. Utilizing variant allele frequency, disease prevalence and penetrance estimates, and inheritance mode, an automated score was calculated to assess if this variant is too frequent to cause the disease. Based on the score and internal cut-off values, a variant classified as likely benign is not then subjected to further curation. The score for this variant resulted in a classification of likely benign for this disease.